The following is an entry in ClinVar:

NM_001142966.3(GREB1L):c.4881C>T (p.His1627=)

Gene: GREB1L (GREB1 like retinoic acid receptor coactivator; plus strand). Cytogenetic location: 18q11.2.
Variant type: single nucleotide variant.
Coding change: c.4881C>T on transcript NM_001142966.3 (MANE Select); coding-DNA position 4881, C replaced by T.
Protein change: p.His1627=; no amino-acid change (histidine 1627 retained).
Molecular consequence: synonymous variant.
Genome position (GRCh38, 1-based): chr18:21,513,966, C>T. VCF-style: chr18-21513966-C-T. GRCh37 (hg19) VCF-style: chr18-19093927-C-T.
Other names: c.5010C>T, p.His1670= (NM_001410867.1); c.4554C>T, p.His1518= (NM_001410868.1).
Identifiers: ClinVar variation 3771530 (VCV003771530.13).

ClinVar aggregate classification (germline): Likely benign (1 of 4 stars; one submission).

gnomAD v4.1: 12 of 1,551,640 alleles (0.00077%); highest among the groups gnomAD compares: Admixed American, 0.002%; no homozygotes.

Submission:

CeGaT Center for Human Genetics Tuebingen
Classification: Likely benign. Last evaluated: 2025-02-01. Review status: criteria provided, single submitter. Criteria: CeGaT Center For Human Genetics Tuebingen Variant Classification Criteria Version 2. Collection method: clinical testing. Allele origin: germline. Affected: yes. Observed: 1 variant allele.
Comment: GREB1L: BP4